The following is an entry in ClinVar:

NM_006031.6(PCNT):c.4377C>T (p.Ala1459=)

Gene: PCNT (pericentrin; plus strand). Cytogenetic location: 21q22.3.
Variant type: single nucleotide variant.
Coding change: c.4377C>T on transcript NM_006031.6 (MANE Select); coding-DNA position 4377, C replaced by T.
Protein change: p.Ala1459=; no amino-acid change (alanine 1459 retained).
Molecular consequence: synonymous variant.
Genome position (GRCh38, 1-based): chr21:46,397,425, C>T. VCF-style: chr21-46397425-C-T. GRCh37 (hg19) VCF-style: chr21-47817339-C-T.
Other names: c.4023C>T, p.Ala1341= (NM_001315529.2); c.4377C>T (NM_006031.5).
Identifiers: ClinVar variation 1602711 (VCV001602711.10), dbSNP rs552768332, ClinGen allele CA10079611.
Genomic context (GRCh38, chr21:46,397,425, plus strand): 5'-GGAGTCTGAGTTAGAAGAACAGCTGTCTCAGCATCGCGGGTGTGCCAAGCAGGCGGAGGC[C>T]GTCACTGCCCTGGAACAGCAGGTGGCATCTCTGGACAAGCATTTGCGCAACCAGCGGCAA-3'
Protein context (NP_006022.3, residues 1449-1469): QHRGCAKQAE[Ala1459=]VTALEQQVAS

ClinVar aggregate classification (germline): Likely benign. Review status: criteria provided, single submitter (1 of 4 stars). 2 submissions from 2 submitters: Likely benign (1). 1 of the submissions does not count toward it. Last evaluated 2025-03-31.

Conditions:
PCNT-related disorder. Also called: PCNT-related condition.

Allele frequency attached by ClinVar (database versions not stated): ExAC 0.00005; 1000 Genomes Project 30x 0.00016; 1000 Genomes Project 0.00020.
gnomAD v4.1: 37 of 1,614,180 alleles (0.0023%); highest among the groups gnomAD compares: African/African-American, 0.0093%; no homozygotes.

Submissions (2):

Labcorp Genetics (formerly Invitae), Labcorp
Classification: Likely benign. Last evaluated: 2025-03-31. Review status: criteria provided, single submitter. Criteria: Invitae Variant Classification Sherloc (09022015). Collection method: clinical testing. Allele origin: germline.

PreventionGenetics, part of Exact Sciences
Classification: Likely benign for PCNT-related condition. Last evaluated: 2021-10-20. Review status: no assertion criteria provided. Collection method: clinical testing. Allele origin: germline. Not counted in ClinVar's aggregate classification.
Comment: This variant is classified as likely benign based on ACMG/AMP sequence variant interpretation guidelines (Richards et al. 2015 PMID: 25741868, with internal and published modifications).